The following is an entry in ClinVar:

ClinVar aggregate classification (germline): Uncertain significance (1 of 4 stars; one submission).

Conditions:
Tuberous sclerosis 2 (TSC2). Identifiers: Orphanet 805, MedGen C1860707, MONDO:0013199, OMIM 613254.

Submission:

Labcorp Genetics (formerly Invitae), Labcorp
Classification: Uncertain significance for Tuberous sclerosis 2. Last evaluated: 2021-08-11. Review status: criteria provided, single submitter. Criteria: Invitae Variant Classification Sherloc (09022015). Collection method: clinical testing. Allele origin: germline.
Comment: In summary, the available evidence is currently insufficient to determine the role of this variant in disease. Therefore, it has been classified as a Variant of Uncertain Significance. Advanced modeling of protein sequence and biophysical properties (such as structural, functional, and spatial information, amino acid conservation, physicochemical variation, residue mobility, and thermodynamic stability) performed at Invitae indicates that this missense variant is not expected to disrupt TSC2 protein function. This variant has not been reported in the literature in individuals affected with TSC2-related conditions. This variant is not present in population databases (ExAC no frequency). This sequence change replaces asparagine with threonine at codon 1006 of the TSC2 protein (p.Asn1006Thr). The asparagine residue is moderately conserved and there is a small physicochemical difference between asparagine and threonine.

NM_000548.5(TSC2):c.3017A>C (p.Asn1006Thr)

Gene: TSC2 (TSC complex subunit 2; plus strand). Cytogenetic location: 16p13.3.
Variant type: single nucleotide variant.
Coding change: c.3017A>C on transcript NM_000548.5 (MANE Select); coding-DNA position 3017, A replaced by C.
Protein change: p.Asn1006Thr; replaces asparagine 1006 with threonine.
Molecular consequence: missense variant.
Genome position (GRCh38, 1-based): chr16:2,079,082, A>C. VCF-style: chr16-2079082-A-C. GRCh37 (hg19) VCF-style: chr16-2129083-A-C.
Other names: c.2741A>C, p.Asn914Thr (NM_001318829.2); c.2285A>C, p.Asn762Thr (NM_001318831.2); c.2918A>C, p.Asn973Thr (NM_001318832.2); c.2888A>C, p.Asn963Thr (NM_001363528.2, NM_001370405.1, NM_021055.3); c.2885A>C, p.Asn962Thr (NM_001370404.1, NM_001077183.3); c.3017A>C, p.Asn1006Thr (NM_001114382.3); c.2777A>C, p.Asn926Thr (NM_001318827.2); short protein forms N1006T, N926T, N914T, N962T, N963T, N762T, N973T.
Identifiers: ClinVar variation 1374262 (VCV001374262.6), dbSNP rs2151431671, ClinGen allele CA394283891.